The following is an entry in ClinVar:

ClinVar aggregate classification (germline): Likely benign (1 of 4 stars; one submission).

gnomAD v4.1: 3 of 1,607,816 alleles (0.00019%); highest among the groups gnomAD compares: Non-Finnish European, 0.00026%; no homozygotes.

Submission:

CeGaT Center for Human Genetics Tuebingen
Classification: Likely benign. Last evaluated: 2025-03-01. Review status: criteria provided, single submitter. Criteria: CeGaT Center For Human Genetics Tuebingen Variant Classification Criteria Version 2. Collection method: clinical testing. Allele origin: germline. Affected: yes. Observed: 1 variant allele.
Comment: SLC30A9: BP4, BP7

NM_006345.4(SLC30A9):c.24C>G (p.Ala8=)

Gene: SLC30A9 (solute carrier family 30 member 9; plus strand). Cytogenetic location: 4p13.
Variant type: single nucleotide variant.
Coding change: c.24C>G on transcript NM_006345.4 (MANE Select); coding-DNA position 24, C replaced by G.
Protein change: p.Ala8=; no amino-acid change (alanine 8 retained).
Molecular consequence: synonymous variant.
Genome position (GRCh38, 1-based): chr4:41,990,675, C>G. VCF-style: chr4-41990675-C-G. GRCh37 (hg19) VCF-style: chr4-41992692-C-G.
Identifiers: ClinVar variation 3778533 (VCV003778533.7).